The following is an entry in ClinVar:

NM_000051.4(ATM):c.7789-15_7789-9del

Genes: ATM (ATM serine/threonine kinase; plus strand), C11orf65 (chromosome 11 open reading frame 65; minus strand). Cytogenetic location: 11q22.3.
Variant type: Microsatellite.
Coding change: c.7789-15_7789-9del on transcript NM_000051.4 (MANE Select); 15 bases into the intron before coding-DNA position 7789 through 9 bases into the intron before coding-DNA position 7789, 7 bases deleted (GTTTTTT; older notation c.7789-15_7789-9delGTTTTTT).
Molecular consequence: intron variant.
Genome position (GRCh38, 1-based): chr11:108,332,747-108,332,753, GTTTTTT deleted; deleting any 7 consecutive bases within chr11:108,332,739-108,332,753 gives the same sequence; the c. name uses the placement nearest the transcript's 3' end. VCF-style (leftmost placement, unchanged base first): chr11-108332738-ATGTTTTT-A. GRCh37 (hg19) VCF-style: chr11-108203465-ATGTTTTT-A.
Other names: c.7789-15_7789-9del (NM_001351834.2); c.641-23674_641-23668del (NM_001330368.2); c.*38+2475_*38+2481del (NM_001351110.2).
Identifiers: ClinVar variation 2415193 (VCV002415193.42), dbSNP rs2547296912, ClinGen allele CA2580615057.

ClinVar aggregate classification (germline): Uncertain significance (1 of 4 stars; one submission).

Conditions:
Ataxia-telangiectasia syndrome (AT). Also called: Ataxia-telangiectasia, complementation group E; Ataxia telangiectasia (A-T); LOUIS-BAR SYNDROME; Cerebello-oculocutaneous telangiectasia; Immunodeficiency with ataxia telangiectasia; Ataxia-telangiectasia, complementation group D. Identifiers: Orphanet 100, MedGen C0004135, MONDO:0008840, OMIM 208900.

Submission:

Labcorp Genetics (formerly Invitae), Labcorp
Classification: Uncertain significance for Ataxia-telangiectasia syndrome. Last evaluated: 2022-05-03. Review status: criteria provided, single submitter. Criteria: Invitae Variant Classification Sherloc (09022015). Collection method: clinical testing. Allele origin: germline.
Comment: In summary, the available evidence is currently insufficient to determine the role of this variant in disease. Therefore, it has been classified as a Variant of Uncertain Significance. Algorithms developed to predict the effect of sequence changes on RNA splicing suggest that this variant may disrupt the consensus splice site. This variant has not been reported in the literature in individuals affected with ATM-related conditions. This variant is not present in population databases (gnomAD no frequency). This sequence change falls in intron 52 of the ATM gene. It does not directly change the encoded amino acid sequence of the ATM protein.